The following is an entry in ClinVar:

ClinVar aggregate classification (germline): Uncertain significance (1 of 4 stars; one submission).

Submission:

Ambry Genetics
Classification: Uncertain significance. Last evaluated: 2022-12-25. Review status: criteria provided, single submitter. Criteria: Ambry Variant Classification Scheme 2023. Collection method: clinical testing. Allele origin: germline.
Comment: The p.G284E variant (also known as c.851G>A) is located in coding exon 6 of the IDH1 gene. The glycine at codon 284 is replaced by glutamic acid, an amino acid with similar properties. This change occurs in the first base pair of coding exon 6. This amino acid position is conserved. In addition, this alteration is predicted to be deleterious by in silico analysis. Since supporting evidence is limited at this time, the clinical significance of this alteration remains unclear.

NM_005896.4(IDH1):c.851G>A (p.Gly284Glu)

Gene: IDH1 (isocitrate dehydrogenase (NADP(+)) 1; minus strand). Cytogenetic location: 2q34.
Variant type: single nucleotide variant.
Coding change: c.851G>A on transcript NM_005896.4 (MANE Select); coding-DNA position 851, G replaced by A.
Protein change: p.Gly284Glu; replaces glycine 284 with glutamic acid.
Molecular consequence: missense variant.
Genome position (GRCh38, 1-based): chr2:208,240,003, C>T on the plus strand (G>A on the coding strand, the complement: IDH1 is on the minus strand). VCF-style: chr2-208240003-C-T. GRCh37 (hg19) VCF-style: chr2-209104727-C-T.
Other names: c.851G>A, p.Gly284Glu (NM_001282386.1, NM_001282387.1); short protein forms G284E.
Identifiers: ClinVar variation 2453229 (VCV002453229.2), dbSNP rs1386075261, ClinGen allele CA350095664.
Genomic context (GRCh38, chr2:208,240,003, plus strand): 5'-TCTACTGTCTTGCCATCTGGACAAACCAGCACGCTGGTCATCATGCCGAGAGAGCCATAC[C>T]CTGTAAGTAGTGGAGCATGAAGCGTTGGGTCCAACTGCATGAAGAGCACTGAGTCTCTCA-3'
Protein context (NP_005887.2, residues 274-294): GDVQSDSVAQ[Gly284Glu]YGSLGMMTSV